The following is an entry in ClinVar:

NM_014915.3(ANKRD26):c.4741G>A (p.Ala1581Thr)

Gene: ANKRD26 (ankyrin repeat domain containing 26; minus strand). Cytogenetic location: 10p12.1.
Variant type: single nucleotide variant.
Coding change: c.4741G>A on transcript NM_014915.3 (MANE Select); coding-DNA position 4741, G replaced by A.
Protein change: p.Ala1581Thr; replaces alanine 1581 with threonine.
Molecular consequence: missense variant.
Genome position (GRCh38, 1-based): chr10:27,013,094, C>T on the plus strand (G>A on the coding strand, the complement: ANKRD26 is on the minus strand). VCF-style: chr10-27013094-C-T. GRCh37 (hg19) VCF-style: chr10-27302023-C-T.
Other names: c.4738G>A, p.Ala1580Thr (NM_001256053.2); short protein forms A1580T, A1581T.
Identifiers: ClinVar variation 3871128 (VCV003871128.1).

ClinVar aggregate classification (germline): Uncertain significance (1 of 4 stars; one submission).

Conditions:
Inborn genetic diseases. Identifiers: MedGen C0950123, MeSH D030342.

gnomAD v4.1: 6 of 1,613,796 alleles (0.00037%); highest among the groups gnomAD compares: Non-Finnish European, 0.00051%; no homozygotes.

Submission:

Ambry Genetics
Classification: Uncertain significance for Inborn genetic diseases. Last evaluated: 2025-02-09. Review status: criteria provided, single submitter. Criteria: Ambry Variant Classification Scheme 2023. Collection method: clinical testing. Allele origin: germline.
Comment: The p.A1581T variant (also known as c.4741G>A), located in coding exon 32 of the ANKRD26 gene, results from a G to A substitution at nucleotide position 4741. The alanine at codon 1581 is replaced by threonine, an amino acid with similar properties. This amino acid position is conserved. In addition, this alteration is predicted to be tolerated by in silico analysis. Based on the available evidence, the clinical significance of this variant remains unclear.